The following is an entry in ClinVar:

NM_001367561.1(DOCK7):c.4757T>C (p.Ile1586Thr)

Gene: DOCK7 (dedicator of cytokinesis 7; minus strand). Cytogenetic location: 1p31.3.
Variant type: single nucleotide variant.
Coding change: c.4757T>C on transcript NM_001367561.1 (MANE Select); coding-DNA position 4757, T replaced by C.
Protein change: p.Ile1586Thr; replaces isoleucine 1586 with threonine.
Molecular consequence: missense variant.
Genome position (GRCh38, 1-based): chr1:62,504,637, A>G on the plus strand (T>C on the coding strand, the complement: DOCK7 is on the minus strand). VCF-style: chr1-62504637-A-G. GRCh37 (hg19) VCF-style: chr1-62970308-A-G.
Other names: c.4730T>C, p.Ile1577Thr (NM_001271999.2, NM_001330614.2); c.4637T>C, p.Ile1546Thr (NM_001272000.2, NM_001272001.2); c.4664T>C, p.Ile1555Thr (NM_033407.4); short protein forms I1577T, I1546T, I1586T, I1555T.
Identifiers: ClinVar variation 1956111 (VCV001956111.5), dbSNP rs985012299, ClinGen allele CA23774637.
Genomic context (GRCh38, chr1:62,504,637, plus strand): 5'-CAGAAGTTATATTTCATTATGAATACAGAGAATTTTCATGATAAAATACTTACATTCCCA[A>G]TCTCAAAGTTTTGCCTCATTAGTAGGTAAAGGGAGGCACTGGCGTGTGACCGTATTGTAC-3'
Protein context (NP_001354490.1, residues 1576-1596): LYLLMRQNFE[Ile1586Thr]GNNFARVKMQ

ClinVar aggregate classification (germline): Uncertain significance (1 of 4 stars; one submission).

Conditions:
Developmental and epileptic encephalopathy, 23 (DEE23). Also called: Epileptic encephalopathy, early infantile, 23. Identifiers: Orphanet 411986, MedGen C4014492, MONDO:0014371, OMIM 615859.

Allele frequency attached by ClinVar (database versions not stated): TOPMed 0.00001; gnomAD exomes 0.00003.
gnomAD v4.1: 21 of 1,609,966 alleles (0.0013%); highest among the groups gnomAD compares: Non-Finnish European, 0.0018%; no homozygotes.

Submission:

Labcorp Genetics (formerly Invitae), Labcorp
Classification: Uncertain significance for Developmental and epileptic encephalopathy, 23. Last evaluated: 2022-06-04. Review status: criteria provided, single submitter. Criteria: Invitae Variant Classification Sherloc (09022015). Collection method: clinical testing. Allele origin: germline.
Comment: In summary, the available evidence is currently insufficient to determine the role of this variant in disease. Therefore, it has been classified as a Variant of Uncertain Significance. Algorithms developed to predict the effect of missense changes on protein structure and function (SIFT, PolyPhen-2, Align-GVGD) all suggest that this variant is likely to be disruptive. This variant has not been reported in the literature in individuals affected with DOCK7-related conditions. This variant is present in population databases (no rsID available, gnomAD 0.0009%). This sequence change replaces isoleucine, which is neutral and non-polar, with threonine, which is neutral and polar, at codon 1577 of the DOCK7 protein (p.Ile1577Thr).